The following is an entry in ClinVar:

ClinVar aggregate classification (germline): Uncertain significance (1 of 4 stars; one submission).

Conditions:
Hereditary cancer-predisposing syndrome. Also called: Neoplastic Syndromes, Hereditary; Tumor predisposition; Hereditary Cancer Syndrome; Hereditary neoplastic syndrome. Identifiers: Orphanet 140162, MedGen C0027672, MeSH D009386, MONDO:0015356.

Submission:

Ambry Genetics
Classification: Uncertain significance for Hereditary cancer-predisposing syndrome. Last evaluated: 2026-03-07. Review status: criteria provided, single submitter. Criteria: Ambry Variant Classification Scheme 2023. Collection method: clinical testing. Allele origin: germline.
Comment: The p.A246V variant (also known as c.737C>T), located in coding exon 4 of the MSH3 gene, results from a C to T substitution at nucleotide position 737. The alanine at codon 246 is replaced by valine, an amino acid with similar properties. This amino acid position is conserved. In addition, the in silico prediction for this alteration is inconclusive. Based on the available evidence, the clinical significance of this variant remains unclear.

NM_002439.5(MSH3):c.737C>T (p.Ala246Val)

Gene: MSH3 (mutS homolog 3; plus strand). Cytogenetic location: 5q14.1.
Variant type: single nucleotide variant.
Coding change: c.737C>T on transcript NM_002439.5 (MANE Select); coding-DNA position 737, C replaced by T.
Protein change: p.Ala246Val; replaces alanine 246 with valine.
Molecular consequence: missense variant.
Genome position (GRCh38, 1-based): chr5:80,670,254, C>T. VCF-style: chr5-80670254-C-T. GRCh37 (hg19) VCF-style: chr5-79966073-C-T.
Other names: short protein forms A246V.
Identifiers: ClinVar variation 4826791 (VCV004826791.1).